The following is an entry in ClinVar:

NM_032444.4(SLX4):c.1795G>T (p.Gly599Cys)

Gene: SLX4 (SLX4 structure-specific endonuclease subunit; minus strand). Cytogenetic location: 16p13.3.
Variant type: single nucleotide variant.
Coding change: c.1795G>T on transcript NM_032444.4 (MANE Select); coding-DNA position 1795, G replaced by T.
Protein change: p.Gly599Cys; replaces glycine 599 with cysteine.
Molecular consequence: missense variant.
Genome position (GRCh38, 1-based): chr16:3,596,282, C>A on the plus strand (G>T on the coding strand, the complement: SLX4 is on the minus strand). VCF-style: chr16-3596282-C-A. GRCh37 (hg19) VCF-style: chr16-3646283-C-A.
Other names: short protein forms G599C.
Identifiers: ClinVar variation 1002195 (VCV001002195.8), dbSNP rs770845528, ClinGen allele CA7866408.

ClinVar aggregate classification (germline): Uncertain significance (1 of 4 stars; one submission).

Conditions:
Fanconi anemia (FA). Also called: Fanconi's anemia. Identifiers: Orphanet 84, MedGen C0015625, MeSH D005199, MONDO:0019391.

Allele frequency attached by ClinVar (database versions not stated): ExAC below 0.00001; TOPMed below 0.00001; gnomAD 0.00001.
gnomAD v4.1: 34 of 1,569,050 alleles (0.0022%); highest among the groups gnomAD compares: Non-Finnish European, 0.0029%; no homozygotes.

Submission:

Labcorp Genetics (formerly Invitae), Labcorp
Classification: Uncertain significance for Fanconi anemia. Last evaluated: 2022-07-06. Review status: criteria provided, single submitter. Criteria: Invitae Variant Classification Sherloc (09022015). Collection method: clinical testing. Allele origin: germline.
Comment: The frequency data for this variant in the population databases is considered unreliable, as metrics indicate poor data quality at this position in the gnomAD database. This variant has not been reported in the literature in individuals affected with SLX4-related conditions. ClinVar contains an entry for this variant (Variation ID: 1002195). Algorithms developed to predict the effect of missense changes on protein structure and function (SIFT, PolyPhen-2, Align-GVGD) all suggest that this variant is likely to be tolerated. Algorithms developed to predict the effect of sequence changes on RNA splicing suggest that this variant may create or strengthen a splice site. This sequence change replaces glycine, which is neutral and non-polar, with cysteine, which is neutral and slightly polar, at codon 599 of the SLX4 protein (p.Gly599Cys). In summary, the available evidence is currently insufficient to determine the role of this variant in disease. Therefore, it has been classified as a Variant of Uncertain Significance.